The following is an entry in ClinVar:

NM_015057.5(MYCBP2):c.254T>A (p.Leu85His)

Genes: MYCBP2 (MYC binding protein 2; minus strand), LOC130009920 (ATAC-STARR-seq lymphoblastoid silent region 5418; plus strand). Cytogenetic location: 13q22.3.
Variant type: single nucleotide variant.
Coding change: c.254T>A on transcript NM_015057.5 (MANE Select); coding-DNA position 254, T replaced by A.
Protein change: p.Leu85His; replaces leucine 85 with histidine.
Molecular consequence: missense variant.
Genome position (GRCh38, 1-based): chr13:77,326,522, A>T on the plus strand (T>A on the coding strand, the complement: MYCBP2 is on the minus strand). VCF-style: chr13-77326522-A-T. GRCh37 (hg19) VCF-style: chr13-77900657-A-T.
Other names: short protein forms L85H.
Identifiers: ClinVar variation 3363221 (VCV003363221.1).
Genomic context (GRCh38, chr13:77,326,522, plus strand): 5'-CTGGGGACGCACCTGGAGGCTGGGTGTCCAGCGCTGCCGCCCCCCTGGTCCCTGTCATTG[A>T]GCGCAGCGGTATAAATCCTCCGGTAGCGGTCGGCCAGGGCCCGGCCTGACAGCAGCAGCT-3'
Protein context (NP_055872.4, residues 75-95): DRYRRIYTAA[Leu85His]NDRDQGGGSA

ClinVar aggregate classification (germline): Uncertain significance (1 of 4 stars; one submission).

Submission:

GeneDx
Classification: Uncertain significance. Last evaluated: 2023-10-24. Review status: criteria provided, single submitter. Criteria: GeneDx Variant Classification Process June 2021. Collection method: clinical testing. Allele origin: germline. Affected: yes.
Comment: Not observed at significant frequency in large population cohorts (gnomAD); In silico analysis supports that this missense variant does not alter protein structure/function; Has not been previously published as pathogenic or benign to our knowledge